The following is an entry in ClinVar:

ClinVar aggregate classification (germline): Pathogenic (1 of 4 stars; one submission).

Conditions:
Glycogen storage disease, type IV (GSD4). Also called: AMYLOPECTINOSIS; ANDERSEN DISEASE; BRANCHER DEFICIENCY; CIRRHOSIS, FAMILIAL, WITH DEPOSITION OF ABNORMAL GLYCOGEN; GBE1 DEFICIENCY; GLYCOGEN BRANCHING ENZYME DEFICIENCY. Identifiers: Orphanet 367, MedGen C0017923, MONDO:0009292, OMIM 232500.

Submission:

Myriad Genetics, Inc.
Classification: Pathogenic for Glycogen storage disease, type IV. Last evaluated: 2024-05-14. Review status: criteria provided, single submitter. Criteria: Myriad Autosomal Dominant, Autosomal Recessive and X-Linked Classification Criteria (2023). Collection method: clinical testing. Allele origin: unknown.
Comment: NM_000158.3(GBE1):c.1077dupT(T360Yfs*17) is expected to be pathogenic in the context of glycogen storage disease, GBE1-related. This variant is predicted to lead to an abnormal or absent protein product due to the creation of a premature termination codon in GBE1, a gene where loss-of-function variants are known to be pathogenic. Please note: this variant was assessed in the context of healthy population screening.

NM_000158.4(GBE1):c.1077dup (p.Thr360fs)

Gene: GBE1 (1,4-alpha-glucan branching enzyme 1; minus strand). Cytogenetic location: 3p12.2.
Variant type: Duplication.
Coding change: c.1077dup on transcript NM_000158.4 (MANE Select); coding-DNA position 1077, one base duplicated (T; older notation c.1077dupT).
Protein change: p.Thr360fs; shifts the reading frame from threonine 360.
Molecular consequence: frameshift variant.
Genome position (GRCh38, 1-based): chr3:81,593,939, A duplicated on the plus strand (T on the coding strand, the reverse complement: GBE1 is on the minus strand); the first of 2 consecutive A bases (chr3:81,593,939-81,593,940); duplicating either gives the same sequence. VCF-style (leftmost placement, unchanged base first): chr3-81593938-T-TA. GRCh37 (hg19) VCF-style: chr3-81643089-T-TA.
Other names: short protein forms T360fs.
Identifiers: ClinVar variation 5011827 (VCV005011827.1).